The following is an entry in ClinVar:

NM_015122.3(FCHO1):c.1007C>A (p.Thr336Lys)

Gene: FCHO1 (FCH and mu domain containing endocytic adaptor 1; plus strand). Cytogenetic location: 19p13.11.
Variant type: single nucleotide variant.
Coding change: c.1007C>A on transcript NM_015122.3 (MANE Select); coding-DNA position 1007, C replaced by A.
Protein change: p.Thr336Lys; replaces threonine 336 with lysine.
Molecular consequence: missense variant. On other transcripts: non-coding transcript variant (34).
Genome position (GRCh38, 1-based): chr19:17,775,986, C>A. VCF-style: chr19-17775986-C-A. GRCh37 (hg19) VCF-style: chr19-17886795-C-A.
Other names: c.1007C>A, p.Thr336Lys (NM_001161357.2, NM_001161358.2, NM_001384370.1 and 25 more transcripts); c.857C>A, p.Thr286Lys (NM_001161359.2, NM_001384384.1, NM_001384385.1 and 3 more transcripts); c.968C>A, p.Thr323Lys (NM_001384388.1, NM_001384389.1, NM_001384405.1); c.932C>A, p.Thr311Lys (NM_001384390.1); c.962C>A, p.Thr321Lys (NM_001384403.1); c.1007C>A (NM_001161357.1); short protein forms T323K, T286K, T336K, T311K, T321K.
Identifiers: ClinVar variation 1446617 (VCV001446617.4), dbSNP rs370902924, ClinGen allele CA9300366.

ClinVar aggregate classification (germline): Uncertain significance. Review status: criteria provided, multiple submitters, no conflicts (2 of 4 stars). 2 submissions from 2 submitters: Uncertain significance (2). Last evaluated 2024-08-28.

Allele frequency attached by ClinVar (database versions not stated): ExAC 0.00001; ESP Exome Variant Server 0.00008.

Submissions (2):

Ambry Genetics
Classification: Uncertain significance. Last evaluated: 2024-08-28. Review status: criteria provided, single submitter. Criteria: Ambry Variant Classification Scheme 2023. Collection method: clinical testing. Allele origin: germline.

Labcorp Genetics (formerly Invitae), Labcorp
Classification: Uncertain significance. Last evaluated: 2021-10-27. Review status: criteria provided, single submitter. Criteria: Invitae Variant Classification Sherloc (09022015). Collection method: clinical testing. Allele origin: germline.
Comment: This sequence change replaces threonine, a(n) neutral and polar amino acid, with lysine, a(n) basic and polar amino acid, at codon 336 of the FCHO1 protein (p.Thr336Lys). This variant is present in population databases (rs370902924, gnomAD 0.003%). This variant has not been reported in the literature in individuals affected with FCHO1-related conditions. Algorithms developed to predict the effect of missense changes on protein structure and function (SIFT, PolyPhen-2, Align-GVGD) all suggest that this variant is likely to be tolerated. In summary, the available evidence is currently insufficient to determine the role of this variant in disease. Therefore, it has been classified as a Variant of Uncertain Significance.